The following continues an entry in ClinVar:

NM_000256.3(MYBPC3):c.2827C>T (p.Arg943Ter)

Gene: MYBPC3. ClinVar aggregate classification (germline): Pathogenic. Pathogenic (22).

Submissions 20 to 29 of 29:

Center for Medical Genetics Ghent, University of Ghent
Classification: Pathogenic for Hypertrophic cardiomyopathy 4. Last evaluated: 2016-01-01. Review status: criteria provided, single submitter. Criteria: ACMG Guidelines, 2015. Collection method: clinical testing. Allele origin: germline. Affected: yes.

Clinical Genetics DNA and cytogenetics Diagnostics Lab, Erasmus MC, Erasmus Medical Center
Classification: Pathogenic for Hypertrophic cardiomyopathy 4. Last evaluated: 2015-09-21. Review status: criteria provided, single submitter. Criteria: ACGS Guidelines, 2013. Collection method: clinical testing. Allele origin: germline. Affected: yes. Study: VKGL Data-share Consensus.

Genome Diagnostics Laboratory, University Medical Center Utrecht
Classification: Pathogenic for Hypertrophic cardiomyopathy 4. Last evaluated: 2014-10-08. Review status: criteria provided, single submitter. Criteria: ACGS Guidelines, 2013. Collection method: clinical testing. Allele origin: germline. Affected: yes. Study: VKGL Data-share Consensus.

OMIM
Classification: Pathogenic for CARDIOMYOPATHY, FAMILIAL HYPERTROPHIC, 4. Last evaluated: 2010-08-01. Review status: no assertion criteria provided. Collection method: literature only. Allele origin: germline. Not counted in ClinVar's aggregate classification.

Clinical Genetics, Academic Medical Center
Classification: Pathogenic. Review status: no assertion criteria provided. Collection method: clinical testing. Allele origin: germline. Affected: yes. Study: VKGL Data-share Consensus. Not counted in ClinVar's aggregate classification.

Diagnostic Laboratory, Department of Genetics, University Medical Center Groningen
Classification: Pathogenic for Hypertrophic cardiomyopathy 4. Review status: no assertion criteria provided. Collection method: clinical testing. Allele origin: germline. Affected: yes. Study: VKGL Data-share Consensus. Not counted in ClinVar's aggregate classification.

Genome Diagnostics Laboratory, Amsterdam University Medical Center
Classification: Pathogenic. Review status: no assertion criteria provided. Collection method: clinical testing. Allele origin: germline. Affected: yes. Study: VKGL Data-share Consensus. Not counted in ClinVar's aggregate classification.

Joint Genome Diagnostic Labs from Nijmegen and Maastricht, Radboudumc and MUMC+
Classification: Pathogenic. Review status: no assertion criteria provided. Collection method: clinical testing. Allele origin: germline. Affected: yes. Study: VKGL Data-share Consensus. Not counted in ClinVar's aggregate classification.

Laboratory of Diagnostic Genome Analysis, Leiden University Medical Center (LUMC)
Classification: Pathogenic. Review status: no assertion criteria provided. Collection method: clinical testing. Allele origin: germline. Affected: yes. Study: VKGL Data-share Consensus. Not counted in ClinVar's aggregate classification.

Zaffran Lab, Genetics of Cardiac Diseases Laboratory, Marseille Medical Genetics
Classification: Pathogenic for hypertrophic cardiomyopathy. Review status: no assertion criteria provided. Collection method: research. Allele origin: unknown. Affected: yes. Not counted in ClinVar's aggregate classification.

Literature cited by the submitters: PubMed 15519027 (cited by 4 submitters); PubMed 16679492 (cited by 7 submitters); PubMed 17612681 (cited by Ambry Genetics and Women's Health and Genetics/Laboratory Corporation of America, LabCorp); PubMed 19356534 (cited by 3 submitters); PubMed 19858127 (cited by 4 submitters); PubMed 20505798 (cited by 6 submitters); PubMed 22857948 (cited by 5 submitters); PubMed 24111713 (cited by 6 submitters); PubMed 25335496 (cited by 8 submitters); PubMed 28794111 (cited by 3 submitters); PubMed 33673806 (cited by Ambry Genetics); PubMed 33049255 (cited by Dasa); PubMed 20624503 (cited by 4 submitters); PubMed 23233322 (cited by 4 submitters); PubMed 27532257 (cited by 3 submitters); PubMed 31006259 (cited by 3 submitters); PubMed 31513939 (cited by 3 submitters); PubMed 33757590 (cited by 3 submitters); PubMed 36252119 (cited by 3 submitters); PubMed 36835444 (cited by 3 submitters); PubMed 19574547 (cited by Labcorp Genetics (formerly Invitae), Labcorp); PubMed 22574137 (cited by Labcorp Genetics (formerly Invitae), Labcorp and Laboratory for Molecular Medicine, Mass General Brigham Personalized Medicine); PubMed 14563344 (cited by 3billion and Laboratory for Molecular Medicine, Mass General Brigham Personalized Medicine); PubMed 30742251 (cited by All of Us Research Program, National Institutes of Health and Color Diagnostics, LLC DBA Color Health); PubMed 31918855 (cited by All of Us Research Program, National Institutes of Health and Color Diagnostics, LLC DBA Color Health); PubMed 35470684 (cited by All of Us Research Program, National Institutes of Health and Color Diagnostics, LLC DBA Color Health); PubMed 36178741 (cited by All of Us Research Program, National Institutes of Health and Color Diagnostics, LLC DBA Color Health); PubMed 37963751 (cited by All of Us Research Program, National Institutes of Health and Color Diagnostics, LLC DBA Color Health); PubMed 30586709 (cited by Victorian Clinical Genetics Services, Murdoch Childrens Research Institute); PubMed 32841044 (cited by Victorian Clinical Genetics Services, Murdoch Childrens Research Institute); PubMed 18409188 (cited by Laboratory for Molecular Medicine, Mass General Brigham Personalized Medicine and Center for Medical Genetics Ghent, University of Ghent); PubMed 18403758 (cited by Laboratory for Molecular Medicine, Mass General Brigham Personalized Medicine).